The following is an entry in ClinVar:

NM_001253852.3(AP4B1):c.579_581del (p.Val194del)

Gene: AP4B1 (adaptor related protein complex 4 subunit beta 1; minus strand). Cytogenetic location: 1p13.2.
Variant type: Deletion.
Coding change: c.579_581del on transcript NM_001253852.3 (MANE Select); coding-DNA positions 579 to 581, 3 bases deleted (TGT; older notation c.579_581delTGT).
Protein change: p.Val194del; deletes valine 194.
Molecular consequence: inframe deletion. On other transcripts: intron variant (1).
Genome position (GRCh38, 1-based): chr1:113,901,272-113,901,274, ACA deleted on the plus strand (TGT on the coding strand, the reverse complement: AP4B1 is on the minus strand); deleting any 3 consecutive bases within chr1:113,901,272-113,901,276 gives the same sequence; the c. name uses the placement nearest the transcript's 3' end. VCF-style (leftmost placement, unchanged base first): chr1-113901271-GACA-G. GRCh37 (hg19) VCF-style: chr1-114443893-GACA-G.
Other names: c.282_284del, p.Val95del (NM_001253853.3); c.579_581del, p.Val194del (NM_006594.5); c.114-874_114-872del (NM_001308312.2); short protein forms V194del, V95del.
Identifiers: ClinVar variation 581795 (VCV000581795.8), dbSNP rs750563520, ClinGen allele CA1016066.
Genomic context (GRCh38, chr1:113,901,271, plus strand): 5'-AAAAAGAGTGCTGAGGCATCCAAACCGATTTAAGAGATGGTGAGCAATGGGCTTATTGAT[GACA>G]ACGCCTCCTTCCTGTTTCAGAATTTCCTCTAGAGACCTCAAGCAGTTCACAACTACAATT-3'

ClinVar aggregate classification (germline): Uncertain significance (1 of 4 stars; one submission).

Conditions:
Hereditary spastic paraplegia 47. Also called: Spastic paraplegia 47, autosomal recessive; adaptor protein 4 (AP-4) deficiency syndrome; CEREBRAL PALSY, SPASTIC QUADRIPLEGIC, 5. Identifiers: Orphanet 280763, MedGen C3279738, MONDO:0013551, OMIM 614066.

Submission:

Labcorp Genetics (formerly Invitae), Labcorp
Classification: Uncertain significance for Hereditary spastic paraplegia 47. Last evaluated: 2018-02-01. Review status: criteria provided, single submitter. Criteria: Invitae Variant Classification Sherloc (09022015). Collection method: clinical testing. Allele origin: germline.
Comment: In summary, the available evidence is currently insufficient to determine the role of this variant in disease. Therefore, it has been classified as a Variant of Uncertain Significance. Experimental studies and prediction algorithms are not available for this variant, and the functional significance of the deleted amino acid is currently unknown. This variant has not been reported in the literature in individuals with AP4B1-related disease. This variant is present in population databases (rs750563520, ExAC 0.004%). This variant, c.579_581delTGT, results in the deletion of 1 amino acid of the AP4B1 protein (p.Val194del), but otherwise preserves the integrity of the reading frame.